The following is an entry in ClinVar:

ClinVar aggregate classification (germline): Uncertain significance (1 of 4 stars; one submission).

gnomAD v4.1: 15 of 1,613,504 alleles (0.00093%); highest among the groups gnomAD compares: Non-Finnish European, 0.0013%; no homozygotes.

Submission:

Labcorp Genetics (formerly Invitae), Labcorp
Classification: Uncertain significance. Last evaluated: 2025-07-14. Review status: criteria provided, single submitter. Criteria: Invitae Variant Classification Sherloc (09022015). Collection method: clinical testing. Allele origin: germline.
Comment: This sequence change replaces serine, which is neutral and polar, with cysteine, which is neutral and slightly polar, at codon 206 of the KMT2A protein (p.Ser206Cys). This variant is not present in population databases (gnomAD no frequency). This variant has not been reported in the literature in individuals affected with KMT2A-related conditions. ClinVar contains an entry for this variant (Variation ID: 2102134). Invitae Evidence Modeling of protein sequence and biophysical properties (such as structural, functional, and spatial information, amino acid conservation, physicochemical variation, residue mobility, and thermodynamic stability) indicates that this missense variant is not expected to disrupt KMT2A protein function with a negative predictive value of 95%. In summary, the available evidence is currently insufficient to determine the role of this variant in disease. Therefore, it has been classified as a Variant of Uncertain Significance.

NM_001197104.2(KMT2A):c.617C>G (p.Ser206Cys)

Gene: KMT2A (lysine methyltransferase 2A; plus strand). Cytogenetic location: 11q23.3.
Variant type: single nucleotide variant.
Coding change: c.617C>G on transcript NM_001197104.2 (MANE Select); coding-DNA position 617, C replaced by G.
Protein change: p.Ser206Cys; replaces serine 206 with cysteine.
Molecular consequence: missense variant.
Genome position (GRCh38, 1-based): chr11:118,471,776, C>G. VCF-style: chr11-118471776-C-G. GRCh37 (hg19) VCF-style: chr11-118342491-C-G.
Other names: c.716C>G, p.Ser239Cys (NM_001412597.1); c.617C>G, p.Ser206Cys (NM_005933.4); short protein forms S239C, S206C.
Identifiers: ClinVar variation 2102134 (VCV002102134.4), dbSNP rs2496791592, ClinGen allele CA382807061.